The following is an entry in ClinVar:

ClinVar aggregate classification (germline): Uncertain significance. Review status: criteria provided, multiple submitters, no conflicts (2 of 4 stars). 2 submissions from 2 submitters: Uncertain significance (2). Last evaluated 2025-08-19.

Conditions:
Progressive myoclonic epilepsy type 5. Identifiers: Orphanet 402082, MedGen C5190799.

Allele frequency attached by ClinVar (database versions not stated): gnomAD 0.00002 and 0.00003; gnomAD exomes 0.00002 and 0.00004; TOPMed 0.00002; ExAC 0.00003.
gnomAD v4.1: 29 of 1,614,068 alleles (0.0018%); highest among the groups gnomAD compares: Admixed American, 0.005%; no homozygotes.

Submissions (2):

Labcorp Genetics (formerly Invitae), Labcorp
Classification: Uncertain significance for Progressive myoclonic epilepsy type 5. Last evaluated: 2025-08-19. Review status: criteria provided, single submitter. Criteria: Invitae Variant Classification Sherloc (09022015). Collection method: clinical testing. Allele origin: germline.
Comment: This sequence change replaces methionine, which is neutral and non-polar, with isoleucine, which is neutral and non-polar, at codon 617 of the PRICKLE2 protein (p.Met617Ile). This variant is present in population databases (rs771413626, gnomAD 0.009%). This variant has not been reported in the literature in individuals affected with PRICKLE2-related conditions. ClinVar contains an entry for this variant (Variation ID: 1368807). Invitae Evidence Modeling of protein sequence and biophysical properties (such as structural, functional, and spatial information, amino acid conservation, physicochemical variation, residue mobility, and thermodynamic stability) indicates that this missense variant is not expected to disrupt PRICKLE2 protein function with a negative predictive value of 80%. In summary, the available evidence is currently insufficient to determine the role of this variant in disease. Therefore, it has been classified as a Variant of Uncertain Significance.

Ambry Genetics
Classification: Uncertain significance. Last evaluated: 2024-11-20. Review status: criteria provided, single submitter. Criteria: Ambry Variant Classification Scheme 2023. Collection method: clinical testing. Allele origin: germline.

NM_198859.4(PRICKLE2):c.1851G>A (p.Met617Ile)

Genes: PRICKLE2 (prickle planar cell polarity protein 2; minus strand), PRICKLE2-AS1 (PRICKLE2 antisense RNA 1; plus strand). Cytogenetic location: 3p14.1.
Variant type: single nucleotide variant.
Coding change: c.1851G>A on transcript NM_198859.4 (MANE Select); coding-DNA position 1851, G replaced by A.
Protein change: p.Met617Ile; replaces methionine 617 with isoleucine.
Molecular consequence: missense variant. On other transcripts: non-coding transcript variant (1).
Genome position (GRCh38, 1-based): chr3:64,099,735, C>T on the plus strand (G>A on the coding strand, the complement: PRICKLE2 is on the minus strand). VCF-style: chr3-64099735-C-T. GRCh37 (hg19) VCF-style: chr3-64085411-C-T.
Other names: c.1851G>A, p.Met617Ile (NM_001370528.1); c.1851G>A (NM_198859.3); short protein forms M617I.
Identifiers: ClinVar variation 1368807 (VCV001368807.9), dbSNP rs771413626, ClinGen allele CA2479540.